The following is an entry in ClinVar:

ClinVar aggregate classification (germline): Likely benign. Review status: criteria provided, multiple submitters, no conflicts (2 of 4 stars). 4 submissions from 4 submitters: Likely benign (4). Last evaluated 2025-03-16.

Conditions:
Cardiovascular phenotype. Identifiers: MedGen CN230736.
Long QT syndrome (LQTS). Identifiers: MedGen C0023976, MeSH D008133, MONDO:0002442. Disease mechanism: loss of function. Inheritance: Various modes of inheritance.
Cardiac arrhythmia. Also called: Arrhythmia; Cardiac rhythm disease. Identifiers: MedGen C0003811, MONDO:0007263, HP:0011675.

Allele frequency attached by ClinVar (database versions not stated): gnomAD exomes below 0.00001 and 0.00001; TOPMed 0.00001; gnomAD 0.00001.
gnomAD v4.1: 4 of 1,614,128 alleles (0.00025%); highest among the groups gnomAD compares: Non-Finnish European, 0.00034%; no homozygotes.

Submissions (4):

Labcorp Genetics (formerly Invitae), Labcorp
Classification: Likely benign for Long QT syndrome. Last evaluated: 2025-03-16. Review status: criteria provided, single submitter. Criteria: Invitae Variant Classification Sherloc (09022015). Collection method: clinical testing. Allele origin: germline.

All of Us Research Program, National Institutes of Health
Classification: Likely benign for Long QT syndrome. Last evaluated: 2023-05-16. Review status: criteria provided, single submitter. Criteria: ACMG Guidelines, 2015. Collection method: clinical testing. Allele origin: germline. Inheritance: Autosomal dominant inheritance. Observed: 1 variant allele, 1 heterozygote.
Comment: This study involves interpretation of variants in research participants for the purpose of population health screening. Participant phenotype was not available at the time of variant classification. Additional details can be found in publication PMID: 35346344, PMCID: PMC8962531

Ambry Genetics
Classification: Likely benign for Cardiovascular phenotype. Last evaluated: 2022-10-02. Review status: criteria provided, single submitter. Criteria: Ambry Variant Classification Scheme 2023. Collection method: clinical testing. Allele origin: germline.

Color Diagnostics, LLC DBA Color Health
Classification: Likely benign for Arrhythmia. Last evaluated: 2019-03-07. Review status: criteria provided, single submitter. Criteria: ACMG Guidelines, 2015. Collection method: clinical testing. Allele origin: germline.

NM_000238.4(KCNH2):c.1731A>T (p.Pro577=)

Gene: KCNH2 (potassium voltage-gated channel subfamily H member 2; minus strand). Cytogenetic location: 7q36.1.
Variant type: single nucleotide variant.
Coding change: c.1731A>T on transcript NM_000238.4 (MANE Select); coding-DNA position 1731, A replaced by T.
Protein change: p.Pro577=; no amino-acid change (proline 577 retained).
Molecular consequence: synonymous variant. On other transcripts: non-coding transcript variant (2).
Genome position (GRCh38, 1-based): chr7:150,951,662, T>A on the plus strand (A>T on the coding strand, the complement: KCNH2 is on the minus strand). VCF-style: chr7-150951662-T-A. GRCh37 (hg19) VCF-style: chr7-150648750-T-A.
Other names: c.711A>T, p.Pro237= (NM_001204798.2, NM_172057.3); c.1443A>T, p.Pro481= (NM_001406753.1, NM_001406756.1); c.1554A>T, p.Pro518= (NM_001406755.1); c.1431A>T, p.Pro477= (NM_001406757.1); c.1731A>T, p.Pro577= (NM_172056.3).
Identifiers: ClinVar variation 919276 (VCV000919276.16), dbSNP rs1438092503, ClinGen allele CA458871571.